The following is an entry in ClinVar:

NM_004329.3(BMPR1A):c.362C>T (p.Thr121Ile)

Gene: BMPR1A (bone morphogenetic protein receptor type 1A; plus strand). Cytogenetic location: 10q23.2.
Variant type: single nucleotide variant.
Coding change: c.362C>T on transcript NM_004329.3 (MANE Select); coding-DNA position 362, C replaced by T.
Protein change: p.Thr121Ile; replaces threonine 121 with isoleucine.
Molecular consequence: missense variant.
Genome position (GRCh38, 1-based): chr10:86,899,822, C>T. VCF-style: chr10-86899822-C-T. GRCh37 (hg19) VCF-style: chr10-88659579-C-T.
Other names: short protein forms T121I.
Identifiers: ClinVar variation 489694 (VCV000489694.17), dbSNP rs1554888969, ClinGen allele CA377449393.

ClinVar aggregate classification (germline): Uncertain significance. Review status: criteria provided, multiple submitters, no conflicts (2 of 4 stars). 3 submissions from 3 submitters: Uncertain significance (3). Last evaluated 2026-08-17.

Conditions:
Hereditary cancer-predisposing syndrome. Also called: Neoplastic Syndromes, Hereditary; Hereditary neoplastic syndrome; Hereditary Cancer Syndrome; Tumor predisposition. Identifiers: Orphanet 140162, MedGen C0027672, MeSH D009386, MONDO:0015356.
Juvenile polyposis syndrome (JPS). Identifiers: Orphanet 2929, MedGen C0345893, MONDO:0017380, OMIM 174900.

Submissions (3):

Ambry Genetics
Classification: Uncertain significance for Hereditary cancer-predisposing syndrome. Last evaluated: 2026-08-17. Review status: criteria provided, single submitter. Criteria: Ambry Variant Classification Scheme 2023. Collection method: clinical testing. Allele origin: germline.
Comment: The p.T121I variant (also known as c.362C>T), located in coding exon 4 of the BMPR1A gene, results from a C to T substitution at nucleotide position 362. The threonine at codon 121 is replaced by isoleucine, an amino acid with similar properties. This variant was detected as heterozygous in individual(s) with no reported features of BMPR1A-related juvenile polyposis syndrome (Ambry internal data). This amino acid position is highly conserved in available vertebrate species. In addition, this alteration is predicted to be deleterious by in silico analysis. Based on the available evidence, the clinical significance of this variant remains unclear.

Color Diagnostics, LLC DBA Color Health
Classification: Uncertain significance for Hereditary cancer-predisposing syndrome. Last evaluated: 2023-12-05. Review status: criteria provided, single submitter. Criteria: ACMG Guidelines, 2015. Collection method: clinical testing. Allele origin: germline.
Comment: This missense variant replaces threonine with isoleucine at codon 121 of the BMPR1A protein. Computational prediction is inconclusive regarding the impact of this variant on protein structure and function (internally defined REVEL score threshold 0.5 < inconclusive < 0.7, PMID: 27666373). To our knowledge, functional studies have not been reported for this variant. This variant has not been reported in individuals affected with BMPR1A-related disorders in the literature. This variant has not been identified in the general population by the Genome Aggregation Database (gnomAD). The available evidence is insufficient to determine the role of this variant in disease conclusively. Therefore, this variant is classified as a Variant of Uncertain Significance.

Labcorp Genetics (formerly Invitae), Labcorp
Classification: Uncertain significance for Juvenile polyposis syndrome. Last evaluated: 2021-09-01. Review status: criteria provided, single submitter. Criteria: Invitae Variant Classification Sherloc (09022015). Collection method: clinical testing. Allele origin: germline.
Comment: This sequence change replaces threonine with isoleucine at codon 121 of the BMPR1A protein (p.Thr121Ile). The threonine residue is moderately conserved and there is a moderate physicochemical difference between threonine and isoleucine. This variant is not present in population databases (ExAC no frequency). This variant has not been reported in the literature in individuals affected with BMPR1A-related conditions. ClinVar contains an entry for this variant (Variation ID: 489694). Algorithms developed to predict the effect of missense changes on protein structure and function are either unavailable or do not agree on the potential impact of this missense change (SIFT: "Deleterious"; PolyPhen-2: "Possibly Damaging"; Align-GVGD: "Class C0"). In summary, the available evidence is currently insufficient to determine the role of this variant in disease. Therefore, it has been classified as a Variant of Uncertain Significance.